The following is an entry in ClinVar:

ClinVar aggregate classification (germline): Conflicting classifications of pathogenicity. Review status: criteria provided, conflicting classifications (1 of 4 stars). 4 submissions from 4 submitters: Pathogenic (1); Likely risk allele (1); Uncertain significance (2). Last evaluated 2026-08-02.

Conditions:
Deficiency of 3-hydroxyacyl-CoA dehydrogenase. Also called: 3-hydroxyacyl-CoA dehydrogenase deficiency; HADH DEFICIENCY. Identifiers: Orphanet 309127, Orphanet 71212, MedGen C1291230, MONDO:0017715, OMIM 231530.
Hyperinsulinemic hypoglycemia. Also called: Hyperinsulinemia hypoglycemia; Hyperinsulinemic hypoglycemia (disease). Identifiers: Orphanet 443095, MedGen C1864903, MONDO:0005803, HP:0000825.

Allele frequency attached by ClinVar (database versions not stated): gnomAD 0.00005 and 0.00004; ExAC 0.00001; TOPMed 0.00012; 1000 Genomes Project 30x 0.00016; gnomAD exomes below 0.00001; 1000 Genomes Project 0.00020.
gnomAD v4.1: 14 of 1,612,110 alleles (0.00087%); highest among the groups gnomAD compares: Admixed American, 0.02%; no homozygotes.

Submissions (4):

GeneDx
Classification: Pathogenic. Last evaluated: 2026-08-02. Review status: criteria provided, single submitter. Criteria: GeneDx Variant Classification Process June 2021. Collection method: clinical testing. Allele origin: germline.
Comment: Not observed at significant frequency in large population cohorts (gnomAD); In silico analysis supports that this missense variant has a deleterious effect on protein structure/function; This variant is associated with the following publications: (PMID: 34055426, 29280746, 34547194)

Women's Health and Genetics/Laboratory Corporation of America, LabCorp
Classification: Uncertain significance. Last evaluated: 2023-09-01. Review status: criteria provided, single submitter. Criteria: LabCorp Variant Classification Summary - May 2015. Collection method: clinical testing. Allele origin: germline.
Comment: Variant summary: HADH c.908G>T (p.Gly303Val) results in a non-conservative amino acid change located in the 3-hydroxyacyl-CoA dehydrogenase, C-terminal (IPR006108) of the encoded protein sequence. Five of five in-silico tools predict a damaging effect of the variant on protein function. The variant allele was found at a frequency of 4e-06 in 251474 control chromosomes. The available data on variant occurrences in the general population are insufficient to allow any conclusion about variant significance. At least one non peer reviewed abstract reports four infant homozygotes with acyl-carnitine elevation confirmed by enzymatic studies, as well as western blot analysis confirming the absense of the protein (Feng_2019). However, in the absence of published peer reviewed reports, this does not provide unequivocal conclusions. Two submitters have cited clinical-significance assessments for this variant to ClinVar after 2014. One submitter classified the variant as pathogenic, and one submitter classified the variant as uncertain significance. Based on the evidence outlined above, the variant was classified as uncertain significance.

Labcorp Genetics (formerly Invitae), Labcorp
Classification: Uncertain significance for Deficiency of 3-hydroxyacyl-CoA dehydrogenase. Last evaluated: 2022-07-15. Review status: criteria provided, single submitter. Criteria: Invitae Variant Classification Sherloc (09022015). Collection method: clinical testing. Allele origin: germline.
Comment: This sequence change replaces glycine, which is neutral and non-polar, with valine, which is neutral and non-polar, at codon 303 of the HADH protein (p.Gly303Val). This variant is present in population databases (rs575378007, gnomAD 0.003%). This variant has not been reported in the literature in individuals affected with HADH-related conditions. ClinVar contains an entry for this variant (Variation ID: 647412). Algorithms developed to predict the effect of missense changes on protein structure and function (SIFT, PolyPhen-2, Align-GVGD) all suggest that this variant is likely to be disruptive. In summary, the available evidence is currently insufficient to determine the role of this variant in disease. Therefore, it has been classified as a Variant of Uncertain Significance.

Clinical Genomics, Uppaluri K&H Personalized Medicine Clinic
Classification: Likely risk allele for Hyperinsulinemic hypoglycemia. Review status: criteria provided, single submitter. Criteria: K & H Uppaluri Personalized Medicine Clinic Variant Classification & Assertion Criteria_Updated V.1. Collection method: research. Allele origin: unknown. Inheritance: Autosomal recessive inheritance.
Comment: Potent mutations in HADH gene are associated with congenital hyperinsulinism, which leads to recurrent hypoglycemia. The condition is exacerbated by stress, fasting or excessive dietary protein. May respond well to diazoxide. However, the role of this particular variant rs575378007 in congenital hyperinsulinism is yet to be ascertained.

Literature cited by the submitters: PubMed 34547194 (cited by Clinical Genomics, Uppaluri K&H Personalized Medicine Clinic); PubMed 34055426 (cited by Clinical Genomics, Uppaluri K&H Personalized Medicine Clinic); PubMed 29280746 (cited by Clinical Genomics, Uppaluri K&H Personalized Medicine Clinic).

NM_005327.7(HADH):c.908G>T (p.Gly303Val)

Gene: HADH (hydroxyacyl-CoA dehydrogenase; plus strand). Cytogenetic location: 4q25.
Variant type: single nucleotide variant.
Coding change: c.908G>T on transcript NM_005327.7 (MANE Select); coding-DNA position 908, G replaced by T.
Protein change: p.Gly303Val; replaces glycine 303 with valine.
Molecular consequence: missense variant.
Genome position (GRCh38, 1-based): chr4:108,034,320, G>T. VCF-style: chr4-108034320-G-T. GRCh37 (hg19) VCF-style: chr4-108955476-G-T.
Other names: c.959G>T, p.Gly320Val (NM_001184705.4); c.920G>T, p.Gly307Val (NM_001331027.2); short protein forms G303V, G320V, G307V.
Identifiers: ClinVar variation 647412 (VCV000647412.8), dbSNP rs575378007, ClinGen allele CA3037662.